The following is an entry in ClinVar:

NM_006904.7(PRKDC):c.6843G>A (p.Met2281Ile)

Gene: PRKDC (protein kinase, DNA-activated, catalytic subunit; minus strand). Cytogenetic location: 8q11.21.
Variant type: single nucleotide variant.
Coding change: c.6843G>A on transcript NM_006904.7 (MANE Select); coding-DNA position 6843, G replaced by A.
Protein change: p.Met2281Ile; replaces methionine 2281 with isoleucine.
Molecular consequence: missense variant.
Genome position (GRCh38, 1-based): chr8:47,854,133, C>T on the plus strand (G>A on the coding strand, the complement: PRKDC is on the minus strand). VCF-style: chr8-47854133-C-T. GRCh37 (hg19) VCF-style: chr8-48766694-C-T.
Other names: c.6843G>A, p.Met2281Ile (NM_001081640.2); short protein forms M2281I.
Identifiers: ClinVar variation 1755749 (VCV001755749.2), dbSNP rs2551869257, ClinGen allele CA371158463.

ClinVar aggregate classification (germline): Uncertain significance (1 of 4 stars; one submission).

Allele frequency attached by ClinVar (database versions not stated): gnomAD exomes below 0.00001.
gnomAD v4.1: 1 of 1,613,908 alleles (0.000062%); highest among the groups gnomAD compares: East Asian, 0.0022%; no homozygotes.

Submission:

Ambry Genetics
Classification: Uncertain significance. Last evaluated: 2021-08-13. Review status: criteria provided, single submitter. Criteria: Ambry Variant Classification Scheme 2023. Collection method: clinical testing. Allele origin: germline.
Comment: The p.M2281I variant (also known as c.6843G>A), located in coding exon 51 of the PRKDC gene, results from a G to A substitution at nucleotide position 6843. The methionine at codon 2281 is replaced by isoleucine, an amino acid with highly similar properties. This amino acid position is conserved. In addition, the in silico prediction for this alteration is inconclusive. Since supporting evidence is limited at this time, the clinical significance of this alteration remains unclear.